The following is an entry in ClinVar:

ClinVar aggregate classification (germline): Pathogenic (1 of 4 stars; one submission).

Conditions:
Combined malonic and methylmalonic acidemia. Identifiers: Orphanet 289504, MedGen C3280314, MONDO:0013661, OMIM 614265.

gnomAD v4.1: 1 of 1,481,018 alleles (0.000068%); highest among the groups gnomAD compares: Non-Finnish European, 0.000093%; no homozygotes.

Submission:

Labcorp Genetics (formerly Invitae), Labcorp
Classification: Pathogenic for Combined malonic and methylmalonic acidemia. Last evaluated: 2020-12-02. Review status: criteria provided, single submitter. Criteria: Invitae Variant Classification Sherloc (09022015). Collection method: clinical testing. Allele origin: germline.
Comment: This variant is not present in population databases (ExAC no frequency). This sequence change affects a donor splice site in intron 10 of the ACSF3 gene. While this variant is not anticipated to result in nonsense mediated decay, it likely alters RNA splicing and results in a disrupted protein product. For these reasons, this variant has been classified as Pathogenic. This variant disrupts the C-terminus of the ACSF3 protein. Other variant(s) that disrupt this region (p.Tyr544Leufs*22) have been determined to be pathogenic (PMID: 21841779, 26827111, Invitae). This suggests that variants that disrupt this region of the protein are likely to be causative of disease. Nucleotide substitutions within the consensus splice site are a relatively common cause of aberrant splicing (PMID: 17576681, 9536098). Algorithms developed to predict the effect of sequence changes on RNA splicing suggest that this variant may disrupt the consensus splice site, but this prediction has not been confirmed by published transcriptional studies. This variant has not been reported in the literature in individuals with ACSF3-related conditions.

Literature cited by the submitters: PubMed 21841779; PubMed 26827111; PubMed 17576681; PubMed 9536098.

NM_001243279.3(ACSF3):c.1613+2T>C

Gene: ACSF3 (acyl-CoA synthetase family member 3; plus strand). Cytogenetic location: 16q24.3.
Variant type: single nucleotide variant.
Coding change: c.1613+2T>C on transcript NM_001243279.3 (MANE Select); the canonical splice donor site of the intron after coding-DNA position 1613, T replaced by C.
Molecular consequence: splice donor variant.
Genome position (GRCh38, 1-based): chr16:89,146,051, T>C. VCF-style: chr16-89146051-T-C. GRCh37 (hg19) VCF-style: chr16-89212459-T-C.
Other names: c.1613+2T>C (NM_001127214.4, NM_174917.5); c.818+2T>C (NM_001284316.2).
Identifiers: ClinVar variation 1459439 (VCV001459439.8), dbSNP rs2151564932, ClinGen allele CA397149259.
Genomic context (GRCh38, chr16:89,146,051, plus strand): 5'-GTGGTGACCCTCCGAGAAGGACACTCACTGTCCCACAGGGAGCTCAAAGAGTGGGCCAGG[T>C]AGGGCTGGGTGGGGCGGGCAGGGAGCACTCATGGGGTCTTGGGGGTCCAGTCTTGAGGGC-3'